The following is an entry in ClinVar:

NM_000037.4(ANK1):c.1039del (p.His347fs)

Gene: ANK1 (ankyrin 1; minus strand). Cytogenetic location: 8p11.21.
Variant type: Deletion.
Coding change: c.1039del on transcript NM_000037.4 (MANE Select); coding-DNA position 1039, one base deleted (C; older notation c.1039delC).
Protein change: p.His347fs; shifts the reading frame from histidine 347.
Molecular consequence: frameshift variant.
Genome position (GRCh38, 1-based): chr8:41,719,729, G deleted on the plus strand (C on the coding strand, the reverse complement: ANK1 is on the minus strand); the first of 3 consecutive G bases (chr8:41,719,729-41,719,731); deleting any one gives the same sequence. VCF-style (leftmost placement, unchanged base first): chr8-41719728-TG-T. GRCh37 (hg19) VCF-style: chr8-41577246-TG-T.
Other names: c.1138del, p.His380fs (NM_001142446.2); c.1039del, p.His347fs (NM_020475.3, NM_020476.3, NM_020477.3); short protein forms H380fs, H347fs.
Identifiers: ClinVar variation 2017126 (VCV002017126.5), dbSNP rs2486943932, ClinGen allele CA2580078389.
Genomic context (GRCh38, chr8:41,719,728, plus strand): 5'-CTGGAGTTGGGTTTGGCCCCTTTATCCAGAAGGACCTTAGCCACCCTGTGGTGTCCACAG[TG>T]GGCAGCCACGTGGAGTGGGGTCAGGTGGTCCAGGGTGATGTCGTCTATCTCTGCGTCGTA-3'

ClinVar aggregate classification (germline): Pathogenic/Likely pathogenic. Review status: criteria provided, multiple submitters, no conflicts (2 of 4 stars). 2 submissions from 2 submitters: Pathogenic (1); Likely pathogenic (1). Last evaluated 2024-05-20.

Conditions:
Hereditary spherocytosis type 1. Also called: Spherocytosis type 1; ANK1-Related Spherocytosis. Identifiers: Orphanet 822, MedGen C2674218, MONDO:0008447, OMIM 182900.

Submissions (2):

Revvity Omics, Revvity
Classification: Likely pathogenic for Hereditary spherocytosis type 1. Last evaluated: 2024-05-20. Review status: criteria provided, single submitter. Criteria: ACMG Guidelines, 2015. Collection method: clinical testing. Allele origin: germline.

Labcorp Genetics (formerly Invitae), Labcorp
Classification: Pathogenic. Last evaluated: 2022-07-14. Review status: criteria provided, single submitter. Criteria: Invitae Variant Classification Sherloc (09022015). Collection method: clinical testing. Allele origin: germline.
Comment: This sequence change creates a premature translational stop signal (p.His347Thrfs*23) in the ANK1 gene. It is expected to result in an absent or disrupted protein product. Loss-of-function variants in ANK1 are known to be pathogenic (PMID: 8640229). This variant is not present in population databases (gnomAD no frequency). This variant has not been reported in the literature in individuals affected with ANK1-related conditions. For these reasons, this variant has been classified as Pathogenic.

Literature cited by the submitters: PubMed 8640229 (cited by Labcorp Genetics (formerly Invitae), Labcorp).